The following is an entry in ClinVar:

NM_001199107.2(TBC1D24):c.389_391del (p.Phe130del)

Gene: TBC1D24 (TBC1 domain family member 24; plus strand). Cytogenetic location: 16p13.3.
Variant type: Deletion.
Coding change: c.389_391del on transcript NM_001199107.2 (MANE Select); coding-DNA positions 389 to 391, 3 bases deleted (TCT; older notation c.389_391delTCT).
Protein change: p.Phe130del; deletes phenylalanine 130.
Molecular consequence: inframe deletion.
Genome position (GRCh38, 1-based): chr16:2,496,537-2,496,539, TCT deleted; deleting any 3 consecutive bases within chr16:2,496,535-2,496,539 gives the same sequence; the c. name uses the placement nearest the transcript's 3' end. VCF-style (leftmost placement, unchanged base first): chr16-2496534-CCTT-C. GRCh37 (hg19) VCF-style: chr16-2546535-CCTT-C.
Other names: c.389_391delTCT (NM_001199107.1); c.389_391del, p.Phe130del (NM_020705.3); short protein forms F130del.
Identifiers: ClinVar variation 591773 (VCV000591773.2), dbSNP rs1418389627, ClinGen allele CA719315782.

ClinVar aggregate classification (germline): Uncertain significance. Review status: no assertion criteria provided (0 of 4 stars). 2 submissions from 2 submitters: Uncertain significance (2). Last evaluated 2024-03-12.

Conditions:
TBC1D24-related disorder. Also called: TBC1D24-related disorders; TBC1D24-related condition. Identifiers: MedGen CN381194.

Submissions (2):

PreventionGenetics, part of Exact Sciences
Classification: Uncertain significance for TBC1D24-related condition. Last evaluated: 2024-03-12. Review status: no assertion criteria provided. Collection method: clinical testing. Allele origin: germline.
Comment: The TBC1D24 c.389_391delTCT variant is predicted to result in an in-frame deletion (p.Phe130del). To our knowledge, this variant has not been reported in the literature or in a large population database, indicating this variant is rare. At this time, the clinical significance of this variant is uncertain due to the absence of conclusive functional and genetic evidence.

Gharavi Laboratory, Columbia University
Classification: Uncertain significance. Last evaluated: 2018-09-16. Review status: no assertion criteria provided. Criteria: ACMG Guidelines, 2015. Collection method: research. Allele origin: germline. Affected: yes.